The following is an entry in ClinVar:

ClinVar aggregate classification (germline): Uncertain significance (1 of 4 stars; one submission).

Submission:

Labcorp Genetics (formerly Invitae), Labcorp
Classification: Uncertain significance. Last evaluated: 2022-10-14. Review status: criteria provided, single submitter. Criteria: Invitae Variant Classification Sherloc (09022015). Collection method: clinical testing. Allele origin: germline.
Comment: This sequence change replaces arginine, which is basic and polar, with phenylalanine, which is neutral and non-polar, at codon 765 of the POLE protein (p.Arg765Phe). In summary, the available evidence is currently insufficient to determine the role of this variant in disease. Therefore, it has been classified as a Variant of Uncertain Significance. Algorithms developed to predict the effect of missense changes on protein structure and function are either unavailable or do not agree on the potential impact of this missense change (SIFT: "Not Available"; PolyPhen-2: "Probably Damaging"; Align-GVGD: "Not Available"). This variant has not been reported in the literature in individuals affected with POLE-related conditions. Information on the frequency of this variant in the gnomAD database is not available, as this variant may be reported differently in the database.

NM_006231.4(POLE):c.2293_2294delinsTT (p.Arg765Phe)

Gene: POLE (DNA polymerase epsilon, catalytic subunit; minus strand). Cytogenetic location: 12q24.33.
Variant type: Indel.
Coding change: c.2293_2294delinsTT on transcript NM_006231.4 (MANE Select); coding-DNA positions 2293 to 2294, CG replaced by TT.
Protein change: p.Arg765Phe; replaces arginine 765 with phenylalanine.
Molecular consequence: missense variant.
Genome position (GRCh38, 1-based): chr12:132,667,528-132,667,529, CG replaced by AA on the plus strand (CG replaced by TT on the coding strand, the reverse complement: POLE is on the minus strand). VCF-style: chr12-132667528-CG-AA. GRCh37 (hg19) VCF-style: chr12-133244114-CG-AA.
Other names: short protein forms R765F.
Identifiers: ClinVar variation 2004893 (VCV002004893.4), dbSNP rs2542088339, ClinGen allele CA2580086035.